The following is an entry in ClinVar:

ClinVar aggregate classification (germline): Uncertain significance (1 of 4 stars; one submission).

Conditions:
Microcephaly, normal intelligence and immunodeficiency (NBS). Also called: Nijmegen breakage syndrome; Microcephaly with normal intelligence immunodeficiency and lymphoreticular malignancies; Nonsyndromal microcephaly autosomal recessive with normal intelligence; Seemanova syndrome 2; Immunodeficiency, microcephaly with normal intelligence; Ataxia telangiectasia variant V1. Identifiers: Orphanet 647, MedGen C0398791, MONDO:0009623, OMIM 251260.

Allele frequency attached by ClinVar (database versions not stated): gnomAD exomes below 0.00001.
gnomAD v4.1: 1 of 1,613,582 alleles (0.000062%); highest among the groups gnomAD compares: Non-Finnish European, 0.000085%; no homozygotes.

Submission:

Labcorp Genetics (formerly Invitae), Labcorp
Classification: Uncertain significance for Microcephaly, normal intelligence and immunodeficiency. Last evaluated: 2022-03-26. Review status: criteria provided, single submitter. Criteria: Invitae Variant Classification Sherloc (09022015). Collection method: clinical testing. Allele origin: germline.
Comment: This sequence change replaces alanine, which is neutral and non-polar, with valine, which is neutral and non-polar, at codon 241 of the NBN protein (p.Ala241Val). This variant is not present in population databases (gnomAD no frequency). This variant has not been reported in the literature in individuals affected with NBN-related conditions. Algorithms developed to predict the effect of missense changes on protein structure and function (SIFT, PolyPhen-2, Align-GVGD) all suggest that this variant is likely to be tolerated. In summary, the available evidence is currently insufficient to determine the role of this variant in disease. Therefore, it has been classified as a Variant of Uncertain Significance.

NM_002485.5(NBN):c.722C>T (p.Ala241Val)

Gene: NBN (nibrin; minus strand). Cytogenetic location: 8q21.3.
Variant type: single nucleotide variant.
Coding change: c.722C>T on transcript NM_002485.5 (MANE Select); coding-DNA position 722, C replaced by T.
Protein change: p.Ala241Val; replaces alanine 241 with valine.
Molecular consequence: missense variant.
Genome position (GRCh38, 1-based): chr8:89,970,538, G>A on the plus strand (C>T on the coding strand, the complement: NBN is on the minus strand). VCF-style: chr8-89970538-G-A. GRCh37 (hg19) VCF-style: chr8-90982766-G-A.
Other names: c.476C>T, p.Ala159Val (NM_001024688.3); short protein forms A159V, A241V.
Identifiers: ClinVar variation 2117795 (VCV002117795.4), dbSNP rs2488311190, ClinGen allele CA371658860.